The following is an entry in ClinVar:

ClinVar aggregate classification (germline): Uncertain significance (1 of 4 stars; one submission).

Conditions:
Familial hypobetalipoproteinemia 1. Also called: APOB-Related Familial Hypobetalipoproteinemia; Hypobetalipoproteinemia, normotriglyceridemic; Acanthocytosis with hypobetalipoproteinemia. Identifiers: MedGen C4551990, MONDO:0014252, OMIM 615558.
Hypercholesterolemia, autosomal dominant, type B (FHCL2). Also called: APOB-Related Familial Hypercholesterolemia, Autosomal Dominant; Familial hypercholesterolemia 2; Familial Hypercholesterolemia Type B; APOLIPOPROTEIN B-100, FAMILIAL DEFECTIVE; APOLIPOPROTEIN B-100, FAMILIAL LIGAND-DEFECTIVE; HYPERCHOLESTEROLEMIA, FAMILIAL, DUE TO LIGAND-DEFECTIVE APOLIPOPROTEIN B. Identifiers: MedGen C1704417, MONDO:0007751, OMIM 144010.

Submission:

Labcorp Genetics (formerly Invitae), Labcorp
Classification: Uncertain significance for Familial hypobetalipoproteinemia 1; Hypercholesterolemia, autosomal dominant, type B. Last evaluated: 2025-06-20. Review status: criteria provided, single submitter. Criteria: Invitae Variant Classification Sherloc (09022015). Collection method: clinical testing. Allele origin: germline.
Comment: This sequence change replaces isoleucine, which is neutral and non-polar, with asparagine, which is neutral and polar, at codon 160 of the APOB protein (p.Ile160Asn). This variant is not present in population databases (gnomAD no frequency). This variant has not been reported in the literature in individuals affected with APOB-related conditions. Invitae Evidence Modeling of protein sequence and biophysical properties (such as structural, functional, and spatial information, amino acid conservation, physicochemical variation, residue mobility, and thermodynamic stability) indicates that this missense variant is not expected to disrupt APOB protein function with a negative predictive value of 95%. In summary, the available evidence is currently insufficient to determine the role of this variant in disease. Therefore, it has been classified as a Variant of Uncertain Significance.

NM_000384.3(APOB):c.479T>A (p.Ile160Asn)

Gene: APOB (apolipoprotein B; minus strand). Cytogenetic location: 2p24.1.
Variant type: single nucleotide variant.
Coding change: c.479T>A on transcript NM_000384.3 (MANE Select); coding-DNA position 479, T replaced by A.
Protein change: p.Ile160Asn; replaces isoleucine 160 with asparagine.
Molecular consequence: missense variant.
Genome position (GRCh38, 1-based): chr2:21,038,016, A>T on the plus strand (T>A on the coding strand, the complement: APOB is on the minus strand). VCF-style: chr2-21038016-A-T. GRCh37 (hg19) VCF-style: chr2-21260888-A-T.
Other names: short protein forms I160N.
Identifiers: ClinVar variation 4789300 (VCV004789300.1).